The following is an entry in ClinVar:

ClinVar aggregate classification (germline): Likely benign. Review status: criteria provided, multiple submitters, no conflicts (2 of 4 stars). 10 submissions from 10 submitters: Likely benign (7). 3 of the submissions do not count toward it. Last evaluated 2025-12-26.

Conditions:
Cardiovascular phenotype. Identifiers: MedGen CN230736.
Autosomal recessive limb-girdle muscular dystrophy type 2J (LGMDR10). Also called: Limb-girdle muscular dystrophy, type 2J; MUSCULAR DYSTROPHY, LIMB-GIRDLE, AUTOSOMAL RECESSIVE 10. Identifiers: Orphanet 140922, MedGen C1837342, MONDO:0012127, OMIM 608807.
Dilated cardiomyopathy 1G (CMD1G). Identifiers: Orphanet 154, MedGen C1858763, MONDO:0011400, OMIM 604145.
Cardiomyopathy (CMYO). Also called: Cardiomyopathies. Identifiers: Orphanet 167848, MedGen C0878544, MONDO:0004994, HP:0001638. Inheritance: Various modes of inheritance.

Allele frequency attached by ClinVar (database versions not stated): gnomAD 0.00001 and 0.00002; TOPMed 0.00003; ExAC 0.00004; gnomAD exomes 0.00004.

Submissions (10):

Labcorp Genetics (formerly Invitae), Labcorp
Classification: Likely benign for Dilated cardiomyopathy 1G; Autosomal recessive limb-girdle muscular dystrophy type 2J. Last evaluated: 2025-12-26. Review status: criteria provided, single submitter. Criteria: Invitae Variant Classification Sherloc (09022015). Collection method: clinical testing. Allele origin: germline.

Blueprint Genetics
Classification: Likely benign. Last evaluated: 2023-11-30. Review status: criteria provided, single submitter. Criteria: ACMG Guidelines, 2015. Collection method: clinical testing. Allele origin: germline.

CeGaT Center for Human Genetics Tuebingen
Classification: Likely benign. Last evaluated: 2022-09-01. Review status: criteria provided, single submitter. Criteria: CeGaT Center For Human Genetics Tuebingen Variant Classification Criteria Version 2. Collection method: clinical testing. Allele origin: germline. Affected: yes. Observed: 1 variant allele.
Comment: TTN: BP4, BP7

CHEO Genetics Diagnostic Laboratory, Children's Hospital of Eastern Ontario
Classification: Likely benign for Cardiomyopathy. Last evaluated: 2021-09-27. Review status: criteria provided, single submitter. Criteria: ACMG Guidelines, 2015. Collection method: clinical testing. Allele origin: germline.

GeneDx
Classification: Likely benign. Last evaluated: 2021-06-03. Review status: criteria provided, single submitter. Criteria: GeneDx Variant Classification Process June 2021. Collection method: clinical testing. Allele origin: germline. Affected: yes.

Ambry Genetics
Classification: Likely benign for Cardiovascular phenotype. Last evaluated: 2017-10-20. Review status: criteria provided, single submitter. Criteria: Ambry Variant Classification Scheme 2023. Collection method: clinical testing. Allele origin: germline.

Laboratory for Molecular Medicine, Mass General Brigham Personalized Medicine
Classification: Likely benign. Last evaluated: 2015-04-15. Review status: criteria provided, single submitter. Criteria: LMM Criteria. Collection method: clinical testing. Allele origin: germline. Observed: 1 variant allele.
Comment: p.Val26410Val in exon 276 of TTN: This variant is not expected to have clinical significance because it does not alter an amino acid residue and is not located within the splice consensus sequence. It has been identified in 3/66534 European chromosomes and 2/8482 East Asian chromosomes by the Exome Aggregation Consorti um (ExAC).

Clinical Genetics DNA and cytogenetics Diagnostics Lab, Erasmus MC, Erasmus Medical Center
Classification: Likely benign. Review status: no assertion criteria provided. Collection method: clinical testing. Allele origin: germline. Affected: yes. Study: VKGL Data-share Consensus. Not counted in ClinVar's aggregate classification.

Diagnostic Laboratory, Department of Genetics, University Medical Center Groningen
Classification: Likely benign. Review status: no assertion criteria provided. Collection method: clinical testing. Allele origin: germline. Affected: yes. Study: VKGL Data-share Consensus. Not counted in ClinVar's aggregate classification.

Joint Genome Diagnostic Labs from Nijmegen and Maastricht, Radboudumc and MUMC+
Classification: Likely benign. Review status: no assertion criteria provided. Collection method: clinical testing. Allele origin: germline. Affected: yes. Study: VKGL Data-share Consensus. Not counted in ClinVar's aggregate classification.

NM_001267550.2(TTN):c.86934C>T (p.Val28978=)

Genes: TTN-AS1 (TTN antisense RNA 1; plus strand), TTN (titin; minus strand). Cytogenetic location: 2q31.2.
Variant type: single nucleotide variant.
Coding change: c.86934C>T on transcript NM_001267550.2 (MANE Select); coding-DNA position 86934, C replaced by T.
Protein change: p.Val28978=; no amino-acid change (valine 28978 retained).
Molecular consequence: synonymous variant.
Genome position (GRCh38, 1-based): chr2:178,558,525, G>A on the plus strand (C>T on the coding strand, the complement: TTN is on the minus strand). VCF-style: chr2-178558525-G-A. GRCh37 (hg19) VCF-style: chr2-179423252-G-A.
Other names: c.59739C>T, p.Val19913= (NM_003319.4); c.79230C>T, p.Val26410= (NM_133378.4); c.82011C>T, p.Val27337= (NM_001256850.1); c.60114C>T, p.Val20038= (NM_133432.3); c.60315C>T, p.Val20105= (NM_133437.4).
Identifiers: ClinVar variation 228158 (VCV000228158.53), dbSNP rs531340219, ClinGen allele CA1988404.
Genomic context (GRCh38, chr2:178,558,525, plus strand): 5'-GGTTGACTTTGCCACTGCACATTTAACCCAGTTTTTCTGTCCTTTTTCTAGTGCTTCAAC[G>A]ACATAGTGTACAATTCTGCTTCCGCCATCATGTTCAGGCTTCAGCCAGGTCAGGGAAACA-3'
Protein context (NP_001254479.2, residues 28968-28988): HDGGSRIVHY[Val28978=]VEALEKGQKN